The following is an entry in ClinVar:

ClinVar aggregate classification (germline): Uncertain significance (3 of 4 stars; one submission).

Conditions:
Hypertrophic cardiomyopathy. Also called: HYPERTROPHIC MYOCARDIOPATHY. Identifiers: Orphanet 217569, MedGen C0007194, MeSH D002312, MONDO:0005045, HP:0001639.

Submission:

ClinGen Cardiomyopathy Variant Curation Expert Panel
Classification: Uncertain significance for Hypertrophic cardiomyopathy. Last evaluated: 2025-11-14. Review status: reviewed by expert panel. Criteria: ClinGen CMP ACMG Specifications ACTC1 V1.0.0. Collection method: curation. Allele origin: germline. Inheritance: Autosomal dominant inheritance.
Comment: The NM_005159.5(ACTC1):c.1034G>T (p.Gly345Val). This variant has not been identified in individuals with cardiomyopathy nor in large population studies (PM2_Supporting; gnomAD, v2.1). Computational prediction tools and conservation analysis suggest that this variant may impact the protein (PP3; REVEL score ≥0.70). In summary, due to insufficient evidence, this variant is classified as uncertain significance for hypertrophic cardiomyopathy in an autosomal dominant manner based on PM2_Supporting and PP3.

NM_005159.5(ACTC1):c.1034G>T (p.Gly345Val)

Genes: ACTC1 (actin alpha cardiac muscle 1; minus strand), GJD2-DT (GJD2 divergent transcript; plus strand). Cytogenetic location: 15q14.
Variant type: single nucleotide variant.
Coding change: c.1034G>T on transcript NM_005159.5 (MANE Select); coding-DNA position 1034, G replaced by T.
Protein change: p.Gly345Val; replaces glycine 345 with valine.
Molecular consequence: missense variant.
Genome position (GRCh38, 1-based): chr15:34,790,512, C>A on the plus strand (G>T on the coding strand, the complement: ACTC1 is on the minus strand). VCF-style: chr15-34790512-C-A. GRCh37 (hg19) VCF-style: chr15-35082713-C-A.
Other names: c.1034G>T, p.Gly345Val (NM_001406482.1, NM_001406483.1); c.899G>T, p.Gly300Val (NM_001406484.1); c.593G>T, p.Gly198Val (NM_001406485.1); short protein forms G198V, G300V, G345V.
Identifiers: ClinVar variation 4685465 (VCV004685465.1).